The following is an entry in ClinVar:

ClinVar aggregate classification (germline): Uncertain significance (1 of 4 stars; one submission).

Submission:

GeneDx
Classification: Uncertain significance. Last evaluated: 2023-01-18. Review status: criteria provided, single submitter. Criteria: GeneDx Variant Classification Process June 2021. Collection method: clinical testing. Allele origin: germline. Affected: yes.
Comment: Not observed at significant frequency in large population cohorts (gnomAD); In silico analysis supports that this missense variant has a deleterious effect on protein structure/function; Has not been previously published as pathogenic or benign to our knowledge

NM_003482.4(KMT2D):c.6559C>A (p.Pro2187Thr)

Gene: KMT2D (lysine methyltransferase 2D; minus strand). Cytogenetic location: 12q13.12.
Variant type: single nucleotide variant.
Coding change: c.6559C>A on transcript NM_003482.4 (MANE Select); coding-DNA position 6559, C replaced by A.
Protein change: p.Pro2187Thr; replaces proline 2187 with threonine.
Molecular consequence: missense variant.
Genome position (GRCh38, 1-based): chr12:49,041,211, G>T on the plus strand (C>A on the coding strand, the complement: KMT2D is on the minus strand). VCF-style: chr12-49041211-G-T. GRCh37 (hg19) VCF-style: chr12-49434994-G-T.
Other names: short protein forms P2187T.
Identifiers: ClinVar variation 2573715 (VCV002573715.1), dbSNP rs1336037893, ClinGen allele CA384750447.